The following is an entry in ClinVar:

ClinVar aggregate classification (germline): Uncertain significance (1 of 4 stars; one submission).

Conditions:
Inborn genetic diseases. Identifiers: MedGen C0950123, MeSH D030342.

gnomAD v4.1: 1 of 1,613,794 alleles (0.000062%); highest among the groups gnomAD compares: Non-Finnish European, 0.000085%; no homozygotes.

Submission:

Ambry Genetics
Classification: Uncertain significance for Inborn genetic diseases. Last evaluated: 2025-08-25. Review status: criteria provided, single submitter. Criteria: Ambry Variant Classification Scheme 2023. Collection method: clinical testing. Allele origin: germline.
Comment: The p.S992P variant (also known as c.2974T>C), located in coding exon 1 of the SAMD9 gene, results from a T to C substitution at nucleotide position 2974. The serine at codon 992 is replaced by proline, an amino acid with similar properties. This amino acid position is conserved. In addition, this alteration is predicted to be tolerated by in silico analysis. Based on the available evidence, the clinical significance of this variant remains unclear.

NM_017654.4(SAMD9):c.2974T>C (p.Ser992Pro)

Gene: SAMD9 (sterile alpha motif domain containing 9; minus strand). Cytogenetic location: 7q21.2.
Variant type: single nucleotide variant.
Coding change: c.2974T>C on transcript NM_017654.4 (MANE Select); coding-DNA position 2974, T replaced by C.
Protein change: p.Ser992Pro; replaces serine 992 with proline.
Molecular consequence: missense variant.
Genome position (GRCh38, 1-based): chr7:93,103,124, A>G on the plus strand (T>C on the coding strand, the complement: SAMD9 is on the minus strand). VCF-style: chr7-93103124-A-G. GRCh37 (hg19) VCF-style: chr7-92732437-A-G.
Other names: c.2974T>C, p.Ser992Pro (NM_001193307.2); short protein forms S992P.
Identifiers: ClinVar variation 4159182 (VCV004159182.1).
Genomic context (GRCh38, chr7:93,103,124, plus strand): 5'-GCATATCCAACATAATTTGACTTTTATTCAGGTGATAGCTTTTCTTCAATTCTTCCAGTG[A>G]GAACTCTGCAATCAAAGAGTGAATGATGCGTACTCCACAGTAGTTCCCACATTCGATGAC-3'
Protein context (NP_060124.2, residues 982-1002): RIIHSLIAEF[Ser992Pro]LEELKKSYHL